The following is an entry in ClinVar:

ClinVar aggregate classification (germline): Uncertain significance (1 of 4 stars; one submission).

Conditions:
Tietz syndrome (TADS). Also called: ALBINISM-DEAFNESS OF TIETZ; HYPOPIGMENTATION/DEAFNESS OF TIETZ; TIETZ ALBINISM-DEAFNESS SYNDROME. Identifiers: Orphanet 42665, MedGen C0391816, MONDO:0007077, OMIM 103500.
Waardenburg syndrome type 2A (WS2A). Also called: WAARDENBURG SYNDROME WITHOUT DYSTOPIA CANTHORUM. Identifiers: Orphanet 3440, MedGen C1860339, MONDO:0008671, OMIM 193510.
Melanoma, cutaneous malignant, susceptibility to, 8. Also called: MELANOMA AND RENAL CELL CARCINOMA, SUSCEPTIBILITY TO; Cutaneous malignant melanoma 8. Identifiers: Orphanet 293822, MedGen C3152204, MONDO:0013759, OMIM 614456.

Submission:

Labcorp Genetics (formerly Invitae), Labcorp
Classification: Uncertain significance for Melanoma, cutaneous malignant, susceptibility to, 8; Waardenburg syndrome type 2A; Tietz syndrome. Last evaluated: 2025-04-08. Review status: criteria provided, single submitter. Criteria: Invitae Variant Classification Sherloc (09022015). Collection method: clinical testing. Allele origin: germline.
Comment: This sequence change replaces glutamic acid, which is acidic and polar, with valine, which is neutral and non-polar, at codon 413 of the MITF protein (p.Glu413Val). This variant is not present in population databases (gnomAD no frequency). This variant has not been reported in the literature in individuals affected with MITF-related conditions. Invitae Evidence Modeling of protein sequence and biophysical properties (such as structural, functional, and spatial information, amino acid conservation, physicochemical variation, residue mobility, and thermodynamic stability) indicates that this missense variant is expected to disrupt MITF protein function with a positive predictive value of 80%. In summary, the available evidence is currently insufficient to determine the role of this variant in disease. Therefore, it has been classified as a Variant of Uncertain Significance.

NM_001354604.2(MITF):c.1559A>T (p.Glu520Val)

Gene: MITF (melanocyte inducing transcription factor; plus strand). Cytogenetic location: 3p13.
Variant type: single nucleotide variant.
Coding change: c.1559A>T on transcript NM_001354604.2 (MANE Select); coding-DNA position 1559, A replaced by T.
Protein change: p.Glu520Val; replaces glutamic acid 520 with valine.
Molecular consequence: missense variant.
Genome position (GRCh38, 1-based): chr3:69,965,226, A>T. VCF-style: chr3-69965226-A-T. GRCh37 (hg19) VCF-style: chr3-70014377-A-T.
Other names: c.1238A>T, p.Glu413Val (NM_000248.4); c.1385A>T, p.Glu462Val (NM_001184967.2, NM_001354608.2); c.1556A>T, p.Glu519Val (NM_001354605.2); c.1538A>T, p.Glu513Val (NM_001354606.2, NM_006722.3); c.1490A>T, p.Glu497Val (NM_001354607.2); c.1220A>T, p.Glu407Val (NM_198158.3); c.1541A>T, p.Glu514Val (NM_198159.3); c.1493A>T, p.Glu498Val (NM_198177.3); and 1 more; short protein forms E407V, E497V, E498V, E351V, E413V, E514V, E513V, E519V.
Identifiers: ClinVar variation 4783033 (VCV004783033.1).